The following is an entry in ClinVar:

NM_139076.3(ABRAXAS1):c.1052T>C (p.Leu351Ser)

Gene: ABRAXAS1 (abraxas 1, BRCA1 A complex subunit; minus strand). Cytogenetic location: 4q21.23.
Variant type: single nucleotide variant.
Coding change: c.1052T>C on transcript NM_139076.3 (MANE Select); coding-DNA position 1052, T replaced by C.
Protein change: p.Leu351Ser; replaces leucine 351 with serine.
Molecular consequence: missense variant.
Genome position (GRCh38, 1-based): chr4:83,462,647, A>G on the plus strand (T>C on the coding strand, the complement: ABRAXAS1 is on the minus strand). VCF-style: chr4-83462647-A-G. GRCh37 (hg19) VCF-style: chr4-84383800-A-G.
Other names: c.725T>C, p.Leu242Ser (NM_001345962.2); short protein forms L351S, L242S.
Identifiers: ClinVar variation 3446575 (VCV003446575.1).

ClinVar aggregate classification (germline): Uncertain significance (1 of 4 stars; one submission).

Submission:

Ambry Genetics
Classification: Uncertain significance. Last evaluated: 2024-08-21. Review status: criteria provided, single submitter. Criteria: Ambry Variant Classification Scheme 2023. Collection method: clinical testing. Allele origin: germline.
Comment: The p.L351S variant (also known as c.1052T>C), located in coding exon 9 of the FAM175A gene, results from a T to C substitution at nucleotide position 1052. The leucine at codon 351 is replaced by serine, an amino acid with dissimilar properties. This amino acid position is conserved. In addition, this alteration is predicted to be tolerated by in silico analysis. Based on the available evidence, the clinical significance of this variant remains unclear.